The following is an entry in ClinVar:

ClinVar aggregate classification (germline): Uncertain significance. Review status: criteria provided, multiple submitters, no conflicts (2 of 4 stars). 2 submissions from 2 submitters: Uncertain significance (2). Last evaluated 2026-01-17.

Conditions:
Dyskeratosis congenita, autosomal recessive 6 (DKCB6). Identifiers: MedGen C4225356, MONDO:0014600, OMIM 616353.
Pulmonary fibrosis and/or bone marrow failure, Telomere-related, 4. Also called: PULMONARY FIBROSIS AND/OR BONE MARROW FAILURE SYNDROME, TELOMERE-RELATED, 4. Identifiers: Orphanet 2032, MedGen C4225347, MONDO:0014612, OMIM 616371.
Inborn genetic diseases. Identifiers: MedGen C0950123, MeSH D030342.

Allele frequency attached by ClinVar (database versions not stated): ExAC 0.00008; 1000 Genomes Project 0.00020; 1000 Genomes Project 30x 0.00047.
gnomAD v4.1: 11 of 1,595,580 alleles (0.00069%); highest among the groups gnomAD compares: Middle Eastern, 0.017%; no homozygotes.

Submissions (2):

Labcorp Genetics (formerly Invitae), Labcorp
Classification: Uncertain significance for Dyskeratosis congenita, autosomal recessive 6; Pulmonary fibrosis and/or bone marrow failure, Telomere-related, 4. Last evaluated: 2026-01-17. Review status: criteria provided, single submitter. Criteria: Invitae Variant Classification Sherloc (09022015). Collection method: clinical testing. Allele origin: germline.
Comment: This sequence change replaces threonine, which is neutral and polar, with methionine, which is neutral and non-polar, at codon 85 of the PARN protein (p.Thr85Met). The frequency data for this variant in the population databases is considered unreliable, as metrics indicate poor data quality at this position in the gnomAD database. This variant has not been reported in the literature in individuals affected with PARN-related conditions. ClinVar contains an entry for this variant (Variation ID: 2170900). Invitae Evidence Modeling of protein sequence and biophysical properties (such as structural, functional, and spatial information, amino acid conservation, physicochemical variation, residue mobility, and thermodynamic stability) indicates that this missense variant is not expected to disrupt PARN protein function with a negative predictive value of 80%. In summary, the available evidence is currently insufficient to determine the role of this variant in disease. Therefore, it has been classified as a Variant of Uncertain Significance.

Ambry Genetics
Classification: Uncertain significance for Inborn genetic diseases. Last evaluated: 2021-07-13. Review status: criteria provided, single submitter. Criteria: Ambry Variant Classification Scheme 2023. Collection method: clinical testing. Allele origin: germline.

NM_002582.4(PARN):c.254C>T (p.Thr85Met)

Gene: PARN (poly(A)-specific ribonuclease; minus strand). Cytogenetic location: 16p13.12.
Variant type: single nucleotide variant.
Coding change: c.254C>T on transcript NM_002582.4 (MANE Select); coding-DNA position 254, C replaced by T.
Protein change: p.Thr85Met; replaces threonine 85 with methionine.
Molecular consequence: missense variant. On other transcripts: intron variant (1).
Genome position (GRCh38, 1-based): chr16:14,627,179, G>A on the plus strand (C>T on the coding strand, the complement: PARN is on the minus strand). VCF-style: chr16-14627179-G-A. GRCh37 (hg19) VCF-style: chr16-14721036-G-A.
Other names: c.71C>T, p.Thr24Met (NM_001134477.3); c.159-43C>T (NM_001242992.2); c.254C>T (NM_002582.3); short protein forms T85M, T24M.
Identifiers: ClinVar variation 2170900 (VCV002170900.5), dbSNP rs139959455, ClinGen allele CA7912474.
Genomic context (GRCh38, chr16:14,627,179, plus strand): 5'-TTGACATCTGGTGAGGATCTATTGAAGGGTTTCGGGAAAACATAGAAGTTAAATGACTTC[G>A]TTATATACCTGGGATAAGATAAAAGGAGACTTAGGAGGTGACATTGTGCCACAAAAACGG-3'
Protein context (NP_002573.1, residues 75-95): KYDYTDSKYI[Thr85Met]KSFNFYVFPK